The following is an entry in ClinVar:

NM_005876.5(SPEG):c.2878C>T (p.Arg960Ter)

Gene: SPEG (striated muscle enriched protein kinase; plus strand). Cytogenetic location: 2q35.
Variant type: single nucleotide variant.
Coding change: c.2878C>T on transcript NM_005876.5 (MANE Select); coding-DNA position 2878, C replaced by T.
Protein change: p.Arg960Ter; replaces arginine 960 with a stop codon.
Molecular consequence: nonsense.
Genome position (GRCh38, 1-based): chr2:219,464,605, C>T. VCF-style: chr2-219464605-C-T. GRCh37 (hg19) VCF-style: chr2-220329327-C-T.
Other names: c.331C>T, p.Arg111Ter (NM_001173476.2); short protein forms R111*, R960*.
Identifiers: ClinVar variation 2698618 (VCV002698618.3), dbSNP rs1575107759, ClinGen allele CA350739620.
Genomic context (GRCh38, chr2:219,464,605, plus strand): 5'-TACACTTGCAAAGCGGTCAATGAGTATGGTGCTCGGCAGTGCGAGGCCCGCTTGGAGGTC[C>T]GAGGTGAGTACCTGATTTCTCCATGAATGCCCACCTGGCCCTGGCCCCTTCCTTCCCCCA-3'

ClinVar aggregate classification (germline): Pathogenic (1 of 4 stars; one submission).

Submission:

Labcorp Genetics (formerly Invitae), Labcorp
Classification: Pathogenic. Last evaluated: 2023-11-24. Review status: criteria provided, single submitter. Criteria: Invitae Variant Classification Sherloc (09022015). Collection method: clinical testing. Allele origin: germline.
Comment: This sequence change creates a premature translational stop signal (p.Arg960*) in the SPEG gene. It is expected to result in an absent or disrupted protein product. Loss-of-function variants in SPEG are known to be pathogenic (PMID: 19118250, 25087613). This variant is not present in population databases (gnomAD no frequency). This variant has not been reported in the literature in individuals affected with SPEG-related conditions. For these reasons, this variant has been classified as Pathogenic.

Literature cited by the submitters: PubMed 19118250; PubMed 25087613.